The following is an entry in ClinVar:

NM_201253.3(CRB1):c.3049A>G (p.Ser1017Gly)

Gene: CRB1 (crumbs cell polarity complex component 1; plus strand). Cytogenetic location: 1q31.3.
Variant type: single nucleotide variant.
Coding change: c.3049A>G on transcript NM_201253.3 (MANE Select); coding-DNA position 3049, A replaced by G.
Protein change: p.Ser1017Gly; replaces serine 1017 with glycine.
Molecular consequence: missense variant. On other transcripts: non-coding transcript variant (2), intron variant (1).
Genome position (GRCh38, 1-based): chr1:197,434,912, A>G. VCF-style: chr1-197434912-A-G. GRCh37 (hg19) VCF-style: chr1-197404042-A-G.
Other names: c.2713A>G, p.Ser905Gly (NM_001193640.2); c.2977A>G, p.Ser993Gly (NM_001257965.2); c.2129-688A>G (NM_001257966.2); short protein forms S1017G, S993G, S905G.
Identifiers: ClinVar variation 1513771 (VCV001513771.6), dbSNP rs2125499301, ClinGen allele CA344044929.

ClinVar aggregate classification (germline): Uncertain significance (1 of 4 stars; one submission).

Conditions:
Retinitis pigmentosa 12 (RP12). Also called: RP WITH OR WITHOUT PRESERVED PARAARTERIOLE RETINAL PIGMENT EPITHELIUM; RETINITIS PIGMENTOSA WITH OR WITHOUT PARAARTERIOLAR PRESERVATION OF RETINAL PIGMENT EPITHELIUM; RP WITH OR WITHOUT PPRPE. Identifiers: Orphanet 791, MedGen C1838647, MONDO:0010818, OMIM 600105.
Leber congenital amaurosis 8 (LCA8). Identifiers: Orphanet 65, MedGen C3151202, MONDO:0013453, OMIM 613835.

Submission:

Labcorp Genetics (formerly Invitae), Labcorp
Classification: Uncertain significance for Leber congenital amaurosis 8; Retinitis pigmentosa 12. Last evaluated: 2021-08-18. Review status: criteria provided, single submitter. Criteria: Invitae Variant Classification Sherloc (09022015). Collection method: clinical testing. Allele origin: germline.
Comment: This sequence change replaces serine with glycine at codon 1017 of the CRB1 protein (p.Ser1017Gly). The serine residue is highly conserved and there is a small physicochemical difference between serine and glycine. This variant is not present in population databases (ExAC no frequency). This variant has not been reported in the literature in individuals affected with CRB1-related conditions. Advanced modeling of protein sequence and biophysical properties (such as structural, functional, and spatial information, amino acid conservation, physicochemical variation, residue mobility, and thermodynamic stability) performed at Invitae indicates that this missense variant is not expected to disrupt CRB1 protein function. In summary, the available evidence is currently insufficient to determine the role of this variant in disease. Therefore, it has been classified as a Variant of Uncertain Significance.